The following is an entry in ClinVar:

NM_014629.4(ARHGEF10):c.2161C>A (p.Pro721Thr)

Genes: ARHGEF10 (Rho guanine nucleotide exchange factor 10; plus strand), LOC126860281 (CDK7 strongly-dependent group 2 enhancer GRCh37_chr8:1870370-1871569; plus strand). Cytogenetic location: 8p23.3.
Variant type: single nucleotide variant.
Coding change: c.2161C>A on transcript NM_014629.4 (MANE Select); coding-DNA position 2161, C replaced by A.
Protein change: p.Pro721Thr; replaces proline 721 with threonine.
Molecular consequence: missense variant.
Genome position (GRCh38, 1-based): chr8:1,922,981, C>A. VCF-style: chr8-1922981-C-A. GRCh37 (hg19) VCF-style: chr8-1871147-C-A.
Other names: c.2047C>A, p.Pro683Thr (NM_001308152.2); c.2161C>A, p.Pro721Thr (NM_001308153.3); short protein forms P745T, P683T, P721T.
Identifiers: ClinVar variation 3686354 (VCV003686354.2).

ClinVar aggregate classification (germline): Uncertain significance (1 of 4 stars; one submission).

gnomAD v4.1: 1 of 1,612,650 alleles (0.000062%); highest among the groups gnomAD compares: Non-Finnish European, 0.000085%; no homozygotes.

Submission:

Labcorp Genetics (formerly Invitae), Labcorp
Classification: Uncertain significance. Last evaluated: 2025-11-04. Review status: criteria provided, single submitter. Criteria: Invitae Variant Classification Sherloc (09022015). Collection method: clinical testing. Allele origin: germline.
Comment: This sequence change replaces proline, which is neutral and non-polar, with threonine, which is neutral and polar, at codon 721 of the ARHGEF10 protein (p.Pro721Thr). This variant is not present in population databases (gnomAD no frequency). This variant has not been reported in the literature in individuals affected with ARHGEF10-related conditions. ClinVar contains an entry for this variant (Variation ID: 3686354). Invitae Evidence Modeling of protein sequence and biophysical properties (such as structural, functional, and spatial information, amino acid conservation, physicochemical variation, residue mobility, and thermodynamic stability) indicates that this missense variant is not expected to disrupt ARHGEF10 protein function with a negative predictive value of 80%. In summary, the available evidence is currently insufficient to determine the role of this variant in disease. Therefore, it has been classified as a Variant of Uncertain Significance.